The following is an entry in ClinVar:

NM_004525.3(LRP2):c.1496G>A (p.Ser499Asn)

Gene: LRP2 (LDL receptor related protein 2; minus strand). Cytogenetic location: 2q31.1.
Variant type: single nucleotide variant.
Coding change: c.1496G>A on transcript NM_004525.3 (MANE Select); coding-DNA position 1496, G replaced by A.
Protein change: p.Ser499Asn; replaces serine 499 with asparagine.
Molecular consequence: missense variant.
Genome position (GRCh38, 1-based): chr2:169,279,441, C>T on the plus strand (G>A on the coding strand, the complement: LRP2 is on the minus strand). VCF-style: chr2-169279441-C-T. GRCh37 (hg19) VCF-style: chr2-170135951-C-T.
Other names: c.1496G>A (NM_004525.2); short protein forms S499N.
Identifiers: ClinVar variation 1353304 (VCV001353304.6), dbSNP rs750613446, ClinGen allele CA1955551.
Genomic context (GRCh38, chr2:169,279,441, plus strand): 5'-GGGTCCACGGCAATTCCTCTAGGATGCCCCAAGTTTTCAGTTATAAGGGTAACCCGATAG[C>T]TTCCATCCAAATTTACCATATCTATGCGGTTGACCTTGGTTTCCACTAGATAGATTTTAT-3'
Protein context (NP_004516.2, residues 489-509): NRIDMVNLDG[Ser499Asn]YRVTLITENL

ClinVar aggregate classification (germline): Uncertain significance. Review status: criteria provided, multiple submitters, no conflicts (2 of 4 stars). 3 submissions from 3 submitters: Uncertain significance (3). Last evaluated 2024-11-14.

Conditions:
Inborn genetic diseases. Identifiers: MedGen C0950123, MeSH D030342.
Donnai-Barrow syndrome. Also called: DBS/FOAR SYNDROME; FACIOOCULOACOUSTICORENAL SYNDROME. Identifiers: Orphanet 2143, MedGen C1857277, MONDO:0009104, OMIM 222448.

Allele frequency attached by ClinVar (database versions not stated): gnomAD 0.00001; TOPMed 0.00001; gnomAD exomes 0.00002 and 0.00005; ExAC 0.00004.
gnomAD v4.1: 15 of 1,613,960 alleles (0.00093%); highest among the groups gnomAD compares: Admixed American, 0.022%; no homozygotes.

Submissions (3):

Ambry Genetics
Classification: Uncertain significance for Inborn genetic diseases. Last evaluated: 2024-11-14. Review status: criteria provided, single submitter. Criteria: Ambry Variant Classification Scheme 2023. Collection method: clinical testing. Allele origin: germline.

Labcorp Genetics (formerly Invitae), Labcorp
Classification: Uncertain significance. Last evaluated: 2022-08-16. Review status: criteria provided, single submitter. Criteria: Invitae Variant Classification Sherloc (09022015). Collection method: clinical testing. Allele origin: germline.
Comment: This sequence change replaces serine, which is neutral and polar, with asparagine, which is neutral and polar, at codon 499 of the LRP2 protein (p.Ser499Asn). This variant is present in population databases (rs750613446, gnomAD 0.03%). This variant has not been reported in the literature in individuals affected with LRP2-related conditions. ClinVar contains an entry for this variant (Variation ID: 1353304). Advanced modeling of protein sequence and biophysical properties (such as structural, functional, and spatial information, amino acid conservation, physicochemical variation, residue mobility, and thermodynamic stability) performed at Invitae indicates that this missense variant is not expected to disrupt LRP2 protein function. In summary, the available evidence is currently insufficient to determine the role of this variant in disease. Therefore, it has been classified as a Variant of Uncertain Significance.

Fulgent Genetics
Classification: Uncertain significance for Donnai-Barrow syndrome. Last evaluated: 2022-05-03. Review status: criteria provided, single submitter. Criteria: ACMG Guidelines, 2015. Collection method: clinical testing. Allele origin: unknown.